The following is an entry in ClinVar:

NM_002528.7(NTHL1):c.481G>A (p.Asp161Asn)

Gene: NTHL1 (nth like DNA glycosylase 1; minus strand). Cytogenetic location: 16p13.3.
Variant type: single nucleotide variant.
Coding change: c.481G>A on transcript NM_002528.7 (MANE Select); coding-DNA position 481, G replaced by A.
Protein change: p.Asp161Asn; replaces aspartic acid 161 with asparagine.
Molecular consequence: missense variant. On other transcripts: intron variant (1).
Genome position (GRCh38, 1-based): chr16:2,044,674, C>T on the plus strand (G>A on the coding strand, the complement: NTHL1 is on the minus strand). VCF-style: chr16-2044674-C-T. GRCh37 (hg19) VCF-style: chr16-2094675-C-T.
Other names: c.151G>A, p.Asp51Asn (NM_001318194.2); c.355-948G>A (NM_001318193.2); short protein forms D161N, D51N.
Identifiers: ClinVar variation 1745096 (VCV001745096.5), dbSNP rs764702496, ClinGen allele CA7828246.

ClinVar aggregate classification (germline): Uncertain significance. Review status: criteria provided, multiple submitters, no conflicts (2 of 4 stars). 2 submissions from 2 submitters: Uncertain significance (2). Last evaluated 2024-07-11.

Conditions:
Hereditary cancer-predisposing syndrome. Also called: Hereditary Cancer Syndrome; Neoplastic Syndromes, Hereditary; Tumor predisposition; Hereditary neoplastic syndrome. Identifiers: Orphanet 140162, MedGen C0027672, MeSH D009386, MONDO:0015356.

Allele frequency attached by ClinVar (database versions not stated): gnomAD exomes below 0.00001; ExAC 0.00001.
gnomAD v4.1: 2 of 1,611,188 alleles (0.00012%); highest among the groups gnomAD compares: Non-Finnish European, 0.00017%; no homozygotes.

Submissions (2):

Labcorp Genetics (formerly Invitae), Labcorp
Classification: Uncertain significance. Last evaluated: 2024-07-11. Review status: criteria provided, single submitter. Criteria: Invitae Variant Classification Sherloc (09022015). Collection method: clinical testing. Allele origin: germline.
Comment: This sequence change replaces aspartic acid, which is acidic and polar, with asparagine, which is neutral and polar, at codon 169 of the NTHL1 protein (p.Asp169Asn). This variant is present in population databases (rs764702496, gnomAD 0.0009%). This variant has not been reported in the literature in individuals affected with NTHL1-related conditions. ClinVar contains an entry for this variant (Variation ID: 1745096). An algorithm developed to predict the effect of missense changes on protein structure and function (PolyPhen-2) suggests that this variant is likely to be tolerated. In summary, the available evidence is currently insufficient to determine the role of this variant in disease. Therefore, it has been classified as a Variant of Uncertain Significance.

Ambry Genetics
Classification: Uncertain significance for Hereditary cancer-predisposing syndrome. Last evaluated: 2021-12-18. Review status: criteria provided, single submitter. Criteria: Ambry Variant Classification Scheme 2023. Collection method: clinical testing. Allele origin: germline.
Comment: The p.D169N variant (also known as c.505G>A), located in coding exon 3 of the NTHL1 gene, results from a G to A substitution at nucleotide position 505. The aspartic acid at codon 169 is replaced by asparagine, an amino acid with highly similar properties. This amino acid position is conserved. In addition, this alteration is predicted to be tolerated by in silico analysis. Since supporting evidence is limited at this time, the clinical significance of this alteration remains unclear.